The following is an entry in ClinVar:

ClinVar aggregate classification (germline): Pathogenic. Review status: reviewed by expert panel (3 of 4 stars). 2 submissions from 2 submitters: Pathogenic (1). 1 of the submissions does not count toward it. Last evaluated 2017-12-15.

Conditions:
Breast-ovarian cancer, familial, susceptibility to, 2 (BROVCA2). Also called: BRCA2 Hereditary Breast and Ovarian Cancer. Identifiers: Orphanet 145, MedGen C2675520, MONDO:0012933, OMIM 612555. Disease mechanism: loss of function.
Familial cancer of breast. Also called: BREAST CANCER, FAMILIAL; Hereditary breast cancer; hereditary breast carcinoma. Identifiers: Orphanet 227535, MedGen C0346153, MONDO:0016419, OMIM 114480. Disease mechanism: loss of function.

Allele frequency attached by ClinVar (database versions not stated): gnomAD exomes below 0.00001.
gnomAD v4.1: 1 of 1,613,890 alleles (0.000062%); highest among the groups gnomAD compares: South Asian, 0.0011%; no homozygotes.

Submissions (2):

Evidence-based Network for the Interpretation of Germline Mutant Alleles (ENIGMA)
Classification: Pathogenic for Breast-ovarian cancer, familial, susceptibility to, 2. Last evaluated: 2017-12-15. Review status: reviewed by expert panel. Criteria: ENIGMA BRCA1/2 Classification Criteria (2017-06-29). Collection method: curation. Allele origin: germline. Study: ENIGMA.
Comment: Variant allele predicted to encode a truncated non-functional protein.

ClinVar Staff, National Center for Biotechnology Information (NCBI)
No classification provided. Condition: Familial cancer of breast. Review status: no classification provided. Collection method: literature only. Allele origin: germline. Affected: yes. Not counted in ClinVar's aggregate classification.

Literature cited by the submitters: PubMed 16998791 (cited by ClinVar Staff, National Center for Biotechnology Information (NCBI)).

NM_000059.4(BRCA2):c.2990T>A (p.Leu997Ter)

Gene: BRCA2 (BRCA2 DNA repair associated; plus strand). Cytogenetic location: 13q13.1.
Variant type: single nucleotide variant.
Coding change: c.2990T>A on transcript NM_000059.4 (MANE Select); coding-DNA position 2990, T replaced by A.
Protein change: p.Leu997Ter; replaces leucine 997 with a stop codon.
Molecular consequence: nonsense.
Genome position (GRCh38, 1-based): chr13:32,337,345, T>A. VCF-style: chr13-32337345-T-A. GRCh37 (hg19) VCF-style: chr13-32911482-T-A.
Other names: short protein forms L997*.
Identifiers: ClinVar variation 51383 (VCV000051383.3), dbSNP rs397507649, ClinGen allele CA016989.
Genomic context (GRCh38, chr13:32,337,345, plus strand): 5'-TGAATATAGATAAAATACCAGAAAAAAATAATGATTACATGAACAAATGGGCAGGACTCT[T>A]AGGTCCAATTTCAAATCACAGTTTTGGAGGTAGCTTCAGAACAGCTTCAAATAAGGAAAT-3'